The following is an entry in ClinVar:

ClinVar aggregate classification (germline): Likely benign (1 of 4 stars; one submission).

Allele frequency attached by ClinVar (database versions not stated): 1000 Genomes Project 0.00240; 1000 Genomes Project 30x 0.00250.
gnomAD v4.1: 852 of 1,232,262 alleles (0.069%); highest among the groups gnomAD compares: African/African-American, 0.45%; 7 homozygotes.

Submission:

CeGaT Center for Human Genetics Tuebingen
Classification: Likely benign. Last evaluated: 2023-04-01. Review status: criteria provided, single submitter. Criteria: CeGaT Center For Human Genetics Tuebingen Variant Classification Criteria Version 2. Collection method: clinical testing. Allele origin: germline. Affected: yes. Observed: 1 variant allele.
Comment: VSIG10L2: BP4, BP7

NM_001365077.2(VSIG10L2):c.1818C>T (p.Ser606=)

Gene: VSIG10L2 (V-set and immunoglobulin domain containing 10 like 2; plus strand). Cytogenetic location: 11q24.2.
Variant type: single nucleotide variant.
Coding change: c.1818C>T on transcript NM_001365077.2 (MANE Select); coding-DNA position 1818, C replaced by T.
Protein change: p.Ser606=; no amino-acid change (serine 606 retained).
Molecular consequence: synonymous variant. On other transcripts: intron variant (1).
Genome position (GRCh38, 1-based): chr11:125,954,118, C>T. VCF-style: chr11-125954118-C-T. GRCh37 (hg19) VCF-style: chr11-125824013-C-T.
Other names: c.252C>T, p.Ser84= (NM_001391971.1); c.221-1497C>T (NM_001391972.1).
Identifiers: ClinVar variation 2642514 (VCV002642514.24), dbSNP rs192608745, ClinGen allele CA230546835.